The following is an entry in ClinVar:

NM_000760.4(CSF3R):c.622G>A (p.Ala208Thr)

Gene: CSF3R (colony stimulating factor 3 receptor; minus strand). Cytogenetic location: 1p34.3.
Variant type: single nucleotide variant.
Coding change: c.622G>A on transcript NM_000760.4 (MANE Select); coding-DNA position 622, G replaced by A.
Protein change: p.Ala208Thr; replaces alanine 208 with threonine.
Molecular consequence: missense variant.
Genome position (GRCh38, 1-based): chr1:36,473,486, C>T on the plus strand (G>A on the coding strand, the complement: CSF3R is on the minus strand). VCF-style: chr1-36473486-C-T. GRCh37 (hg19) VCF-style: chr1-36939087-C-T.
Other names: c.622G>A, p.Ala208Thr (NM_156039.3, NM_172313.3); short protein forms A208T.
Identifiers: ClinVar variation 1715511 (VCV001715511.5), dbSNP rs2521805402, ClinGen allele CA339423620.
Genomic context (GRCh38, chr1:36,473,486, plus strand): 5'-ATCACCCACCAACATCCATGGGATCAAGACACAGTTGTGGGGACATGCTGGTCCCCAGCG[C>T]ATTCTCTGCCTGCACCCAGATGCCCATATTCTGGTACAACAGCAGGTGTTTGCGTGGGAT-3'
Protein context (NP_000751.1, residues 198-218): NMGIWVQAEN[Ala208Thr]LGTSMSPQLC

ClinVar aggregate classification (germline): Uncertain significance (1 of 4 stars; one submission).

Conditions:
Autosomal recessive severe congenital neutropenia due to CSF3R deficiency. Also called: Neutropenia, severe congenital, 7, autosomal recessive. Identifiers: Orphanet 420702, MedGen C4310764, MONDO:0014865, OMIM 617014.

Submission:

Labcorp Genetics (formerly Invitae), Labcorp
Classification: Uncertain significance for Autosomal recessive severe congenital neutropenia due to CSF3R deficiency. Last evaluated: 2023-12-11. Review status: criteria provided, single submitter. Criteria: Invitae Variant Classification Sherloc (09022015). Collection method: clinical testing. Allele origin: germline.
Comment: This sequence change replaces alanine, which is neutral and non-polar, with threonine, which is neutral and polar, at codon 208 of the CSF3R protein (p.Ala208Thr). This variant is not present in population databases (gnomAD no frequency). This variant has not been reported in the literature in individuals affected with CSF3R-related conditions. ClinVar contains an entry for this variant (Variation ID: 1715511). Advanced modeling of protein sequence and biophysical properties (such as structural, functional, and spatial information, amino acid conservation, physicochemical variation, residue mobility, and thermodynamic stability) performed at Invitae indicates that this missense variant is not expected to disrupt CSF3R protein function with a negative predictive value of 80%. In summary, the available evidence is currently insufficient to determine the role of this variant in disease. Therefore, it has been classified as a Variant of Uncertain Significance.